The following is an entry in ClinVar:

ClinVar aggregate classification (germline): Uncertain significance. Review status: criteria provided, multiple submitters, no conflicts (2 of 4 stars). 2 submissions from 2 submitters: Uncertain significance (2). Last evaluated 2023-12-09.

Conditions:
Inborn genetic diseases. Identifiers: MedGen C0950123, MeSH D030342.

Allele frequency attached by ClinVar (database versions not stated): gnomAD 0.00001; gnomAD exomes 0.00001; TOPMed 0.00002.
gnomAD v4.1: 6 of 1,613,758 alleles (0.00037%); highest among the groups gnomAD compares: Admixed American, 0.0083%; no homozygotes.

Submissions (2):

Ambry Genetics
Classification: Uncertain significance for Inborn genetic diseases. Last evaluated: 2023-12-09. Review status: criteria provided, single submitter. Criteria: Ambry Variant Classification Scheme 2023. Collection method: clinical testing. Allele origin: germline.

Labcorp Genetics (formerly Invitae), Labcorp
Classification: Uncertain significance. Last evaluated: 2022-05-30. Review status: criteria provided, single submitter. Criteria: Invitae Variant Classification Sherloc (09022015). Collection method: clinical testing. Allele origin: germline.
Comment: In summary, the available evidence is currently insufficient to determine the role of this variant in disease. Therefore, it has been classified as a Variant of Uncertain Significance. Algorithms developed to predict the effect of missense changes on protein structure and function output the following: SIFT: "Tolerated"; PolyPhen-2: "Not Available"; Align-GVGD: "Class C0". The alanine amino acid residue is found in multiple mammalian species, which suggests that this missense change does not adversely affect protein function. This variant has not been reported in the literature in individuals affected with SRCAP-related conditions. This variant is present in population databases (no rsID available, gnomAD 0.003%). This sequence change replaces threonine, which is neutral and polar, with alanine, which is neutral and non-polar, at codon 2889 of the SRCAP protein (p.Thr2889Ala).

NM_006662.3(SRCAP):c.8665A>G (p.Thr2889Ala)

Gene: SRCAP (Snf2 related CREBBP activator protein; plus strand). Cytogenetic location: 16p11.2.
Variant type: single nucleotide variant.
Coding change: c.8665A>G on transcript NM_006662.3 (MANE Select); coding-DNA position 8665, A replaced by G.
Protein change: p.Thr2889Ala; replaces threonine 2889 with alanine.
Molecular consequence: missense variant.
Genome position (GRCh38, 1-based): chr16:30,738,705, A>G. VCF-style: chr16-30738705-A-G. GRCh37 (hg19) VCF-style: chr16-30750026-A-G.
Other names: c.8665A>G (NM_006662.2); short protein forms T2889A.
Identifiers: ClinVar variation 1926906 (VCV001926906.4), dbSNP rs1380534981, ClinGen allele CA395640419.